The following is an entry in ClinVar:

ClinVar aggregate classification (germline): Likely benign (1 of 4 stars; one submission).

Allele frequency attached by ClinVar (database versions not stated): gnomAD 0.00171 and 0.00177; TOPMed 0.00175; 1000 Genomes Project 30x 0.00250; 1000 Genomes Project 0.00479.

Submission:

CeGaT Center for Human Genetics Tuebingen
Classification: Likely benign. Last evaluated: 2025-10-01. Review status: criteria provided, single submitter. Criteria: CeGaT Center For Human Genetics Tuebingen Variant Classification Criteria Version 2. Collection method: clinical testing. Allele origin: germline. Affected: yes. Observed: 6 variant alleles.
Comment: SMARCA4: BS1

NM_003072.5(SMARCA4):c.-32+29C>T

Gene: SMARCA4 (SWI/SNF related BAF chromatin remodeling complex subunit ATPase 4; plus strand). Cytogenetic location: 19p13.2.
Variant type: single nucleotide variant.
Coding change: c.-32+29C>T on transcript NM_003072.5 (MANE Select); 29 bases into the intron after 32 bases upstream of the start codon, C replaced by T.
Molecular consequence: intron variant.
Genome position (GRCh38, 1-based): chr19:10,961,203, C>T. VCF-style: chr19-10961203-C-T. GRCh37 (hg19) VCF-style: chr19-11071879-C-T.
Other names: c.-108+29C>T (NM_001128844.3); c.-32+29C>T (NM_001128849.3, NM_001128847.4); c.-29+29C>T (NM_001387283.1, NM_001374457.1).
Identifiers: ClinVar variation 1694888 (VCV001694888.31), dbSNP rs542032487, ClinGen allele CA305268100.